The following is an entry in ClinVar:

NM_002578.5(PAK3):c.1477C>T (p.Arg493Cys)

Gene: PAK3 (p21 (RAC1) activated kinase 3; plus strand). Cytogenetic location: Xq23.
Variant type: single nucleotide variant.
Coding change: c.1477C>T on transcript NM_002578.5 (MANE Select); coding-DNA position 1477, C replaced by T.
Protein change: p.Arg493Cys; replaces arginine 493 with cysteine.
Molecular consequence: missense variant. On other transcripts: non-coding transcript variant (2).
Genome position (GRCh38, 1-based): chrX:111,216,490, C>T. VCF-style: chrX-111216490-C-T. GRCh37 (hg19) VCF-style: chrX-110459718-C-T.
Other names: c.1477C>T (NM_002578.3, NM_002578.4); c.1477C>T, p.Arg493Cys (NM_001128166.3, NM_001128167.3, NM_001324325.2 and 5 more transcripts); c.1585C>T, p.Arg529Cys (NM_001128168.3); c.1540C>T, p.Arg514Cys (NM_001128172.2); c.1522C>T, p.Arg508Cys (NM_001128173.3, NM_001324327.2, NM_001324328.2 and 2 more transcripts); short protein forms R493C, R508C, R514C, R529C.
Identifiers: ClinVar variation 3251597 (VCV003251597.3), dbSNP rs2094880920.

ClinVar aggregate classification (germline): Uncertain significance. Review status: criteria provided, multiple submitters, no conflicts (2 of 4 stars). 3 submissions from 3 submitters: Uncertain significance (3). Last evaluated 2024-10-09.

Conditions:
Intellectual developmental disorder, X-linked 30. Also called: MENTAL RETARDATION, X-LINKED 47; Intellectual disability, X-linked 30. Identifiers: Orphanet 777, MedGen C0796237, MONDO:0010361, OMIM 300558.

Allele frequency attached by ClinVar (database versions not stated): gnomAD exomes below 0.00001.
gnomAD v4.1: 2 of 1,188,679 alleles (0.00017%); highest among the groups gnomAD compares: South Asian, 0.0018%; no homozygotes.

Submissions (3):

Victorian Clinical Genetics Services, Murdoch Childrens Research Institute
Classification: Uncertain significance for Intellectual developmental disorder, X-linked 30. Last evaluated: 2024-10-09. Review status: criteria provided, single submitter. Criteria: ACMG Guidelines, 2015. Collection method: clinical testing. Allele origin: germline. Inheritance: X-linked recessive inheritance.
Comment: Based on the classification scheme VCGS_Germline_v1.3.4, this variant is classified as VUS-3B. Following criteria are met: 0102 - Loss of function is a known mechanism of disease in this gene and is associated with PAK3-related neurodevelopmental disorder (MIM#300558). However, it was noted that variants leading to a more severe phenotype demonstrated increased protein stability, making dominant-negative a likely mechanism of disease (PMID: 31843706). (I) 0109 - This gene is associated with X-linked recessive disease. However, a few affected females have been reported (PMID: 32050918). (I) 0115 - Variants in this gene are known to have variable expressivity. Affected individuals have been described to have mild to severe intellectual disability, with or without brain anomalies (PMID: 31843706). (I) 0200 - Variant is predicted to result in a missense amino acid change from arginine to cysteine. (I) 0251 - This variant is heterozygous. (I) 0301 - Variant is absent from gnomAD (both v2 and v3). (SP) 0309 - An alternative amino acid change at the same position has been observed in gnomAD (v2) (1 heterozygote, 0 homozygotes, 0 hemizygotes). (I) 0501 - Missense variant consistently predicted to be damaging by multiple in silico tools or highly conserved with a major amino acid change. (SP) 0600 - Variant is located in the annotated protein kinase domain (DECIPHER). (I) 0705 - No comparable missense variants have previous evidence for pathogenicity. (I) 0803 - This variant has limited previous evidence of pathogenicity in an unrelated individual. This variant has been observed as hemizygous in one individual with epilepsy, developmental delay, and cerebral palsy (PMID: 25666757). (SP) 0905 - No published segregation evidence has been identified for this variant. (I) 1007 - No published functional evidence has been identified for this variant. (I) Legend: (SP) - Supporting pathogenic, (I) - Information, (SB) - Supporting benign

Women's Health and Genetics/Laboratory Corporation of America, LabCorp
Classification: Uncertain significance. Last evaluated: 2024-04-02. Review status: criteria provided, single submitter. Criteria: LabCorp Variant Classification Summary - May 2015. Collection method: clinical testing. Allele origin: germline.
Comment: Variant summary: PAK3 c.1477C>T (p.Arg493Cys) results in a non-conservative amino acid change located in the Protein kinase domain (IPR000719) of the encoded protein sequence. Three of five in-silico tools predict a damaging effect of the variant on protein function. The variant was absent in 183392 control chromosomes. The available data on variant occurrences in the general population are insufficient to allow any conclusion about variant significance. c.1477C>T has been reported in the literature in individuals affected with Hemiplegic Cerebral Palsy (Mc Michael_2015). These data do not allow any conclusion about variant significance. To our knowledge, no experimental evidence demonstrating an impact on protein function has been reported. The following publication have been ascertained in the context of this evaluation (PMID: 25666757). No submitters have cited clinical-significance assessments for this variant to ClinVar. Based on the evidence outlined above, the variant was classified as uncertain significance.

GeneDx
Classification: Uncertain significance. Last evaluated: 2023-11-29. Review status: criteria provided, single submitter. Criteria: GeneDx Variant Classification Process June 2021. Collection method: clinical testing. Allele origin: germline. Affected: yes.
Comment: Observed in hemizygous state in a patient with hemiplegia, intellectual disability, epilepsy and periventricular leukomalacia in the literature and not observed in hemizygous state in controls (PMID: 25666757); Not observed at significant frequency in large population cohorts (gnomAD); In silico analysis supports that this missense variant has a deleterious effect on protein structure/function; This variant is associated with the following publications: (PMID: 31843706, 28126652, 25666757, 36937657)

Literature cited by the submitters: PubMed 25666757 (cited by Victorian Clinical Genetics Services, Murdoch Childrens Research Institute and Women's Health and Genetics/Laboratory Corporation of America, LabCorp); PubMed 31843706 (cited by Victorian Clinical Genetics Services, Murdoch Childrens Research Institute); PubMed 32050918 (cited by Victorian Clinical Genetics Services, Murdoch Childrens Research Institute).